The following is an entry in ClinVar:

ClinVar aggregate classification (germline): Pathogenic (1 of 4 stars; one submission).

Conditions:
Kleefstra syndrome 2 (KLEFS2). Identifiers: MedGen C4540395, MONDO:0054701, OMIM 617768.

Submission:

Imagene.me medical diagnostic laboratory, IMAGENE.ME SA
Classification: Pathogenic for Kleefstra syndrome 2. Review status: criteria provided, single submitter. Criteria: IMAGENE.ME Variant Classification SOP 2022. Collection method: clinical testing. Allele origin: de novo. Affected: yes.
Comment: Classified according to the IMAGENE.ME variant classification SOP based on the ACMG guidelines as Pathogenic (P): PVS1 + PS2 + PM2

NM_170606.3(KMT2C):c.11120dup (p.Ser3708fs)

Gene: KMT2C (lysine methyltransferase 2C; minus strand). Cytogenetic location: 7q36.1.
Variant type: Duplication.
Coding change: c.11120dup on transcript NM_170606.3 (MANE Select); coding-DNA position 11120, one base duplicated (T; older notation c.11120dupT).
Protein change: p.Ser3708fs; shifts the reading frame from serine 3708.
Molecular consequence: frameshift variant.
Genome position (GRCh38, 1-based): chr7:152,162,457, A duplicated on the plus strand (T on the coding strand, the reverse complement: KMT2C is on the minus strand). VCF-style (leftmost placement, unchanged base first): chr7-152162456-G-GA. GRCh37 (hg19) VCF-style: chr7-151859541-G-GA.
Other names: short protein forms S3708fs.
Identifiers: ClinVar variation 4685489 (VCV004685489.1).